The following is an entry in ClinVar:

ClinVar aggregate classification (germline): Uncertain significance (1 of 4 stars; one submission).

Allele frequency attached by ClinVar (database versions not stated): ExAC 0.00001; gnomAD 0.00001; gnomAD exomes 0.00001; TOPMed 0.00001.
gnomAD v4.1: 8 of 1,601,434 alleles (0.0005%); highest among the groups gnomAD compares: East Asian, 0.0022%; no homozygotes.

Submission:

Center for Pediatric Genomic Medicine, Children's Mercy Hospital and Clinics
Classification: Uncertain significance. Last evaluated: 2016-06-28. Review status: criteria provided, single submitter. Criteria: ACMG Guidelines, 2015. Collection method: clinical testing. Allele origin: germline.
ClinVar note: Converted during submission from Uncertain Significance to Uncertain significance.

NM_173560.4(RFX6):c.1606A>G (p.Met536Val)

Gene: RFX6 (regulatory factor X6; plus strand). Cytogenetic location: 6q22.1.
Variant type: single nucleotide variant.
Coding change: c.1606A>G on transcript NM_173560.4 (MANE Select); coding-DNA position 1606, A replaced by G.
Protein change: p.Met536Val; replaces methionine 536 with valine.
Molecular consequence: missense variant.
Genome position (GRCh38, 1-based): chr6:116,924,719, A>G. VCF-style: chr6-116924719-A-G. GRCh37 (hg19) VCF-style: chr6-117245882-A-G.
Other names: short protein forms M536V.
Identifiers: ClinVar variation 377223 (VCV000377223.3), dbSNP rs752212354, ClinGen allele CA3973361.